The following is an entry in ClinVar:

NM_001134363.3(RBM20):c.878C>T (p.Ala293Val)

Gene: RBM20 (RNA binding motif protein 20; plus strand). Cytogenetic location: 10q25.2.
Variant type: single nucleotide variant.
Coding change: c.878C>T on transcript NM_001134363.3 (MANE Select); coding-DNA position 878, C replaced by T.
Protein change: p.Ala293Val; replaces alanine 293 with valine.
Molecular consequence: missense variant.
Genome position (GRCh38, 1-based): chr10:110,781,487, C>T. VCF-style: chr10-110781487-C-T. GRCh37 (hg19) VCF-style: chr10-112541245-C-T.
Other names: short protein forms A293V.
Identifiers: ClinVar variation 3671212 (VCV003671212.2).
Genomic context (GRCh38, chr10:110,781,487, plus strand): 5'-ATGGTCAAGCTGCCTTTTCCAAAGATTTTTACGGACCCAACTCCCAAGGTTCACATGTGG[C>T]CAGCGGATTTCCAGCTGAGCAGGCTGGGGGCCTGAAAAGTGAGGTCGGGCCACTGCTGCA-3'
Protein context (NP_001127835.2, residues 283-303): YGPNSQGSHV[Ala293Val]SGFPAEQAGG

ClinVar aggregate classification (germline): Uncertain significance (1 of 4 stars; one submission).

Conditions:
Dilated cardiomyopathy 1DD (CMD1DD). Identifiers: Orphanet 154, MedGen C2750995, MONDO:0013168, OMIM 613172.

gnomAD v4.1: 2 of 1,551,578 alleles (0.00013%); highest among the groups gnomAD compares: Non-Finnish European, 0.00017%; no homozygotes.

Submission:

Labcorp Genetics (formerly Invitae), Labcorp
Classification: Uncertain significance for Dilated cardiomyopathy 1DD. Last evaluated: 2024-08-21. Review status: criteria provided, single submitter. Criteria: Invitae Variant Classification Sherloc (09022015). Collection method: clinical testing. Allele origin: germline.
Comment: This sequence change replaces alanine, which is neutral and non-polar, with valine, which is neutral and non-polar, at codon 293 of the RBM20 protein (p.Ala293Val). This variant is not present in population databases (gnomAD no frequency). This variant has not been reported in the literature in individuals affected with RBM20-related conditions. Invitae Evidence Modeling of protein sequence and biophysical properties (such as structural, functional, and spatial information, amino acid conservation, physicochemical variation, residue mobility, and thermodynamic stability) indicates that this missense variant is not expected to disrupt RBM20 protein function with a negative predictive value of 95%. In summary, the available evidence is currently insufficient to determine the role of this variant in disease. Therefore, it has been classified as a Variant of Uncertain Significance.